The following is an entry in ClinVar:

ClinVar aggregate classification (germline): Likely benign. Review status: criteria provided, multiple submitters, no conflicts (2 of 4 stars). 2 submissions from 2 submitters: Likely benign (2). Last evaluated 2025-06-13.

Allele frequency attached by ClinVar (database versions not stated): gnomAD 0.00123; TOPMed 0.00129; 1000 Genomes Project 0.00200; 1000 Genomes Project 30x 0.00250; gnomAD exomes 0.00010; ExAC 0.00064; ESP Exome Variant Server 0.00110.
gnomAD v4.1: 322 of 1,551,714 alleles (0.021%); highest among the groups gnomAD compares: African/African-American, 0.41%; no homozygotes.

Submissions (2):

Labcorp Genetics (formerly Invitae), Labcorp
Classification: Likely benign. Last evaluated: 2025-06-13. Review status: criteria provided, single submitter. Criteria: Invitae Variant Classification Sherloc (09022015). Collection method: clinical testing. Allele origin: germline.

GeneDx
Classification: Likely benign. Last evaluated: 2020-01-15. Review status: criteria provided, single submitter. Criteria: GeneDx Variant Classification Process June 2021. Collection method: clinical testing. Allele origin: germline. Affected: yes.
Comment: See Variant Classification Assertion Criteria.

NM_001291088.2(WDR87):c.8086G>A (p.Ala2696Thr)

Gene: WDR87 (WD repeat domain 87; minus strand). Cytogenetic location: 19q13.13.
Variant type: single nucleotide variant.
Coding change: c.8086G>A on transcript NM_001291088.2 (MANE Select); coding-DNA position 8086, G replaced by A.
Protein change: p.Ala2696Thr; replaces alanine 2696 with threonine.
Molecular consequence: missense variant.
Genome position (GRCh38, 1-based): chr19:37,885,585, C>T on the plus strand (G>A on the coding strand, the complement: WDR87 is on the minus strand). VCF-style: chr19-37885585-C-T. GRCh37 (hg19) VCF-style: chr19-38376225-C-T.
Other names: c.7969G>A, p.Ala2657Thr (NM_031951.5); short protein forms A2657T, A2696T.
Identifiers: ClinVar variation 1707246 (VCV001707246.7), dbSNP rs149523077, ClinGen allele CA9408387.